The following is an entry in ClinVar:

ClinVar aggregate classification (germline): Uncertain significance (1 of 4 stars; one submission).

gnomAD v4.1: 6 of 1,594,090 alleles (0.00038%); highest among the groups gnomAD compares: Non-Finnish European, 0.00051%; no homozygotes.

Submission:

Labcorp Genetics (formerly Invitae), Labcorp
Classification: Uncertain significance. Last evaluated: 2022-02-19. Review status: criteria provided, single submitter. Criteria: Invitae Variant Classification Sherloc (09022015). Collection method: clinical testing. Allele origin: germline.
Comment: This sequence change replaces valine, which is neutral and non-polar, with isoleucine, which is neutral and non-polar, at codon 21 of the PLAA protein (p.Val21Ile). This variant is not present in population databases (gnomAD no frequency). This variant has not been reported in the literature in individuals affected with PLAA-related conditions. Algorithms developed to predict the effect of missense changes on protein structure and function are either unavailable or do not agree on the potential impact of this missense change (SIFT: "Tolerated"; PolyPhen-2: "Possibly Damaging"; Align-GVGD: "Class C0"). In summary, the available evidence is currently insufficient to determine the role of this variant in disease. Therefore, it has been classified as a Variant of Uncertain Significance.

NM_001031689.3(PLAA):c.61G>A (p.Val21Ile)

Gene: PLAA (phospholipase A2 activating protein; minus strand). Cytogenetic location: 9p21.2.
Variant type: single nucleotide variant.
Coding change: c.61G>A on transcript NM_001031689.3 (MANE Select); coding-DNA position 61, G replaced by A.
Protein change: p.Val21Ile; replaces valine 21 with isoleucine.
Molecular consequence: missense variant.
Genome position (GRCh38, 1-based): chr9:26,946,985, C>T on the plus strand (G>A on the coding strand, the complement: PLAA is on the minus strand). VCF-style: chr9-26946985-C-T. GRCh37 (hg19) VCF-style: chr9-26946983-C-T.
Other names: c.61G>A, p.Val21Ile (NM_001321546.2); short protein forms V21I.
Identifiers: ClinVar variation 1907693 (VCV001907693.4), dbSNP rs758308384, ClinGen allele CA5014743.